The following is an entry in ClinVar:

ClinVar aggregate classification (germline): Uncertain significance (1 of 4 stars; one submission).

Submission:

Ambry Genetics
Classification: Uncertain significance. Last evaluated: 2025-06-03. Review status: criteria provided, single submitter. Criteria: Ambry Variant Classification Scheme 2023. Collection method: clinical testing. Allele origin: germline.
Comment: The p.P407L variant (also known as c.1220C>T), located in coding exon 9 of the FAM175A gene, results from a C to T substitution at nucleotide position 1220. The proline at codon 407 is replaced by leucine, an amino acid with similar properties. This amino acid position is conserved. In addition, this alteration is predicted to be deleterious by in silico analysis. Since supporting evidence is limited at this time, the clinical significance of this alteration remains unclear.

NM_139076.3(ABRAXAS1):c.1220C>T (p.Pro407Leu)

Gene: ABRAXAS1 (abraxas 1, BRCA1 A complex subunit; minus strand). Cytogenetic location: 4q21.23.
Variant type: single nucleotide variant.
Coding change: c.1220C>T on transcript NM_139076.3 (MANE Select); coding-DNA position 1220, C replaced by T.
Protein change: p.Pro407Leu; replaces proline 407 with leucine.
Molecular consequence: missense variant.
Genome position (GRCh38, 1-based): chr4:83,462,479, G>A on the plus strand (C>T on the coding strand, the complement: ABRAXAS1 is on the minus strand). VCF-style: chr4-83462479-G-A. GRCh37 (hg19) VCF-style: chr4-84383632-G-A.
Other names: c.893C>T, p.Pro298Leu (NM_001345962.2); short protein forms P298L, P407L.
Identifiers: ClinVar variation 1800363 (VCV001800363.3), dbSNP rs2529417518, ClinGen allele CA357254861.